The following is an entry in ClinVar:

NM_018139.3(DNAAF2):c.2449A>G (p.Ile817Val)

Gene: DNAAF2 (dynein axonemal assembly factor 2; minus strand). Cytogenetic location: 14q21.3.
Variant type: single nucleotide variant.
Coding change: c.2449A>G on transcript NM_018139.3 (MANE Select); coding-DNA position 2449, A replaced by G.
Protein change: p.Ile817Val; replaces isoleucine 817 with valine.
Molecular consequence: missense variant.
Genome position (GRCh38, 1-based): chr14:49,625,607, T>C on the plus strand (A>G on the coding strand, the complement: DNAAF2 is on the minus strand). VCF-style: chr14-49625607-T-C. GRCh37 (hg19) VCF-style: chr14-50092325-T-C.
Other names: c.2305A>G, p.Ile769Val (NM_001083908.2); c.238A>G, p.Ile80Val (NM_001378453.1); short protein forms I817V, I769V, I80V.
Identifiers: ClinVar variation 844675 (VCV000844675.10), dbSNP rs777785769, ClinGen allele CA389622757.

ClinVar aggregate classification (germline): Uncertain significance (1 of 4 stars; one submission).

Conditions:
Primary ciliary dyskinesia. Also called: Ciliary dyskinesia. Identifiers: Orphanet 244, MedGen C0008780, MONDO:0016575, HP:0012265.

Allele frequency attached by ClinVar (database versions not stated): gnomAD exomes 0.00001.
gnomAD v4.1: 16 of 1,612,048 alleles (0.00099%); highest among the groups gnomAD compares: Non-Finnish European, 0.0014%; no homozygotes.

Submission:

Labcorp Genetics (formerly Invitae), Labcorp
Classification: Uncertain significance for Primary ciliary dyskinesia. Last evaluated: 2019-01-10. Review status: criteria provided, single submitter. Criteria: Invitae Variant Classification Sherloc (09022015). Collection method: clinical testing. Allele origin: germline.
Comment: This sequence change replaces isoleucine with valine at codon 817 of the DNAAF2 protein (p.Ile817Val). The isoleucine residue is highly conserved and there is a small physicochemical difference between isoleucine and valine. In summary, this variant is a novel missense change with uncertain impact on protein function. It has been classified as a Variant of Uncertain Significance. Algorithms developed to predict the effect of missense changes on protein structure and function do not agree on the potential impact of this missense change (SIFT: "Tolerated"; PolyPhen-2: "Possibly Damaging"; Align-GVGD: "Class C0"). This variant is not present in population databases (ExAC no frequency) and has not been reported in the literature in individuals with a DNAAF2-related disease.